The following is an entry in ClinVar:

ClinVar aggregate classification (germline): Likely benign. Review status: criteria provided, multiple submitters, no conflicts (2 of 4 stars). 2 submissions from 2 submitters: Likely benign (2). Last evaluated 2024-03-01.

Allele frequency attached by ClinVar (database versions not stated): gnomAD exomes 0.00001; TOPMed 0.00001; gnomAD 0.00001.
gnomAD v4.1: 18 of 1,613,512 alleles (0.0011%); highest among the groups gnomAD compares: Non-Finnish European, 0.0014%; no homozygotes.

Submissions (2):

CeGaT Center for Human Genetics Tuebingen
Classification: Likely benign. Last evaluated: 2024-03-01. Review status: criteria provided, single submitter. Criteria: CeGaT Center For Human Genetics Tuebingen Variant Classification Criteria Version 2. Collection method: clinical testing. Allele origin: germline. Affected: yes. Observed: 1 variant allele.
Comment: LRP5: BP4, BP7

Labcorp Genetics (formerly Invitae), Labcorp
Classification: Likely benign. Last evaluated: 2022-05-09. Review status: criteria provided, single submitter. Criteria: Invitae Variant Classification Sherloc (09022015). Collection method: clinical testing. Allele origin: germline.

NM_002335.4(LRP5):c.3330C>A (p.Gly1110=)

Gene: LRP5 (LDL receptor related protein 5; plus strand). Cytogenetic location: 11q13.2.
Variant type: single nucleotide variant.
Coding change: c.3330C>A on transcript NM_002335.4 (MANE Select); coding-DNA position 3330, C replaced by A.
Protein change: p.Gly1110=; no amino-acid change (glycine 1110 retained).
Molecular consequence: synonymous variant.
Genome position (GRCh38, 1-based): chr11:68,425,195, C>A. VCF-style: chr11-68425195-C-A. GRCh37 (hg19) VCF-style: chr11-68192663-C-A.
Other names: c.1587C>A, p.Gly529= (NM_001291902.2).
Identifiers: ClinVar variation 2152750 (VCV002152750.25), dbSNP rs1488812459, ClinGen allele CA475463975.